The following is an entry in ClinVar:

ClinVar aggregate classification (germline): Likely benign. Review status: criteria provided, multiple submitters, no conflicts (2 of 4 stars). 3 submissions from 3 submitters: Likely benign (3). Last evaluated 2026-03-25.

Conditions:
ZNF423-related disorder. Also called: ZNF423-related condition.
Nephronophthisis 14 (NPHP14). Identifiers: Orphanet 2318, MedGen C3539071, MONDO:0013916, OMIM 614844.

Allele frequency attached by ClinVar (database versions not stated): gnomAD exomes 0.00002 and 0.00004; ExAC 0.00003; gnomAD 0.00005; TOPMed 0.00006.
gnomAD v4.1: 35 of 1,614,094 alleles (0.0022%); highest among the groups gnomAD compares: Admixed American, 0.0067%; no homozygotes.

Submissions (3):

PreventionGenetics, part of Exact Sciences
Classification: Likely benign for ZNF423-related condition. Last evaluated: 2026-03-25. Review status: criteria provided, single submitter. Criteria: ACMG Guidelines, 2015. Collection method: clinical testing. Allele origin: germline.
Comment: This variant is classified as likely benign based on ACMG/AMP sequence variant interpretation guidelines (Richards et al. 2015 PMID: 25741868, with internal and published modifications).

Labcorp Genetics (formerly Invitae), Labcorp
Classification: Likely benign for Nephronophthisis 14. Last evaluated: 2026-01-27. Review status: criteria provided, single submitter. Criteria: Invitae Variant Classification Sherloc (09022015). Collection method: clinical testing. Allele origin: germline.

Blueprint Genetics
Classification: Likely benign. Last evaluated: 2021-08-27. Review status: criteria provided, single submitter. Criteria: ACMG Guidelines, 2015. Collection method: clinical testing. Allele origin: germline.

NM_001379286.1(ZNF423):c.1323C>T (p.His441=)

Gene: ZNF423 (zinc finger protein 423; minus strand). Cytogenetic location: 16q12.1.
Variant type: single nucleotide variant.
Coding change: c.1323C>T on transcript NM_001379286.1 (MANE Select); coding-DNA position 1323, C replaced by T.
Protein change: p.His441=; no amino-acid change (histidine 441 retained).
Molecular consequence: synonymous variant.
Genome position (GRCh38, 1-based): chr16:49,637,853, G>A on the plus strand (C>T on the coding strand, the complement: ZNF423 is on the minus strand). VCF-style: chr16-49637853-G-A. GRCh37 (hg19) VCF-style: chr16-49671764-G-A.
Other names: c.1119C>T, p.His373= (NM_001271620.2); c.948C>T, p.His316= (NM_001330533.2); c.1299C>T, p.His433= (NM_015069.5); c.1299C>T (NM_015069.4).
Identifiers: ClinVar variation 1101764 (VCV001101764.11), dbSNP rs777932033, ClinGen allele CA8046706.
Genomic context (GRCh38, chr16:49,637,853, plus strand): 5'-GAGGGTGGGCATGGAGTCCAGGCAGATCTGACATGTGTGGCTCTGCTGGGGCTTGTCCGC[G>A]TGGATGGTCTTCAGGTGGATCTCCAGCACGGCCAGGCTGTTAAAGTCCCGCTTGGAACAA-3'
Protein context (NP_001366215.1, residues 431-451): AVLEIHLKTI[His441=]ADKPQQSHTC